The following is an entry in ClinVar:

ClinVar aggregate classification (germline): Uncertain significance. Review status: criteria provided, multiple submitters, no conflicts (2 of 4 stars). 2 submissions from 2 submitters: Uncertain significance (2). Last evaluated 2024-08-06.

Conditions:
SHORT syndrome. Also called: SHORT STATURE, HYPEREXTENSIBILITY, HERNIA, OCULAR DEPRESSION, RIEGER ANOMALY, AND TEETHING DELAY; LIPODYSTROPHY, PARTIAL, WITH RIEGER ANOMALY AND SHORT STATURE; PIK3R1-Related SHORT Syndrome. Identifiers: Orphanet 3163, MedGen C0878684, MONDO:0010026, OMIM 269880.
Agammaglobulinemia 7, autosomal recessive (AGM7). Also called: AGAMMAGLOBULINEMIA, AUTOSOMAL RECESSIVE, DUE TO PIK3R1 DEFECT. Identifiers: MedGen C3554689, MONDO:0014083, OMIM 615214.
Immunodeficiency 36 with lymphoproliferation. Also called: Immunodeficiency 36; ACTIVATED PI3K-DELTA SYNDROME 2; Activated PI3K Delta Syndrome Type 2 (APDS2). Identifiers: Orphanet 397596, Orphanet 693681, MedGen C4014934, MONDO:0014453, OMIM 616005.

Allele frequency attached by ClinVar (database versions not stated): gnomAD exomes below 0.00001; ExAC 0.00001; gnomAD 0.00001.
gnomAD v4.1: 7 of 1,613,912 alleles (0.00043%); highest among the groups gnomAD compares: Non-Finnish European, 0.00042%; no homozygotes.

Submissions (2):

Labcorp Genetics (formerly Invitae), Labcorp
Classification: Uncertain significance for SHORT syndrome; Immunodeficiency 36 with lymphoproliferation; Agammaglobulinemia 7, autosomal recessive. Last evaluated: 2024-08-06. Review status: criteria provided, single submitter. Criteria: Invitae Variant Classification Sherloc (09022015). Collection method: clinical testing. Allele origin: germline.
Comment: This sequence change replaces arginine, which is basic and polar, with cysteine, which is neutral and slightly polar, at codon 562 of the PIK3R1 protein (p.Arg562Cys). This variant is present in population databases (rs768613622, gnomAD 0.0009%). This variant has not been reported in the literature in individuals affected with PIK3R1-related conditions. ClinVar contains an entry for this variant (Variation ID: 2655505). Advanced modeling of protein sequence and biophysical properties (such as structural, functional, and spatial information, amino acid conservation, physicochemical variation, residue mobility, and thermodynamic stability) performed at Invitae indicates that this missense variant is not expected to disrupt PIK3R1 protein function with a negative predictive value of 80%. In summary, the available evidence is currently insufficient to determine the role of this variant in disease. Therefore, it has been classified as a Variant of Uncertain Significance.

CeGaT Center for Human Genetics Tuebingen
Classification: Uncertain significance. Last evaluated: 2023-03-01. Review status: criteria provided, single submitter. Criteria: CeGaT Center For Human Genetics Tuebingen Variant Classification Criteria Version 2. Collection method: clinical testing. Allele origin: germline. Affected: yes. Observed: 1 variant allele.
Comment: PIK3R1: PP2

NM_181523.3(PIK3R1):c.1684C>T (p.Arg562Cys)

Gene: PIK3R1 (phosphoinositide-3-kinase regulatory subunit 1; plus strand). Cytogenetic location: 5q13.1.
Variant type: single nucleotide variant.
Coding change: c.1684C>T on transcript NM_181523.3 (MANE Select); coding-DNA position 1684, C replaced by T.
Protein change: p.Arg562Cys; replaces arginine 562 with cysteine.
Molecular consequence: missense variant.
Genome position (GRCh38, 1-based): chr5:68,295,263, C>T. VCF-style: chr5-68295263-C-T. GRCh37 (hg19) VCF-style: chr5-67591091-C-T.
Other names: c.595C>T, p.Arg199Cys (NM_001242466.2); c.874C>T, p.Arg292Cys (NM_181504.4); c.784C>T, p.Arg262Cys (NM_181524.2); short protein forms R199C, R262C, R292C, R562C.
Identifiers: ClinVar variation 2655505 (VCV002655505.26), dbSNP rs768613622, ClinGen allele CA3290459.